The following is an entry in ClinVar:

NM_000487.6(ARSA):c.122A>G (p.Tyr41Cys)

Gene: ARSA (arylsulfatase A; minus strand). Cytogenetic location: 22q13.33.
Variant type: single nucleotide variant.
Coding change: c.122A>G on transcript NM_000487.6 (MANE Select); coding-DNA position 122, A replaced by G.
Protein change: p.Tyr41Cys; replaces tyrosine 41 with cysteine.
Molecular consequence: missense variant. On other transcripts: intron variant (2).
Genome position (GRCh38, 1-based): chr22:50,627,658, T>C on the plus strand (A>G on the coding strand, the complement: ARSA is on the minus strand). VCF-style: chr22-50627658-T-C. GRCh37 (hg19) VCF-style: chr22-51066086-T-C.
Other names: c.122A>G, p.Tyr41Cys (NM_001085425.3, NM_001085426.3, NM_001085427.3); c.-34-252A>G (NM_001362782.2, NM_001085428.3); short protein forms Y41C.
Identifiers: ClinVar variation 1979670 (VCV001979670.6), dbSNP rs965484858, ClinGen allele CA325531682.

ClinVar aggregate classification (germline): Likely pathogenic. Review status: criteria provided, multiple submitters, no conflicts (2 of 4 stars). 2 submissions from 2 submitters: Likely pathogenic (2). Last evaluated 2026-08-06.

Conditions:
Metachromatic leukodystrophy (MLD). Also called: CEREBROSIDE SULFATASE DEFICIENCY; ARSA DEFICIENCY; METACHROMATIC LEUKOENCEPHALOPATHY; SULFATIDE LIPIDOSIS; Cerebral sclerosis diffuse metachromatic form; Arylsulfatase A Deficiency. Identifiers: Orphanet 512, MedGen C0023522, MONDO:0018868, OMIM 250100.

Allele frequency attached by ClinVar (database versions not stated): gnomAD exomes 0.00001; gnomAD 0.00003.

Submissions (2):

OLLIN Analises Genomicas, OLLIN
Classification: Likely pathogenic for Metachromatic leukodystrophy. Last evaluated: 2026-08-06. Review status: criteria provided, single submitter. Criteria: ACMG Guidelines 2015 PMID 25741868. Collection method: clinical testing. Allele origin: germline. Inheritance: Autosomal recessive inheritance.
Comment: This missense variant, located in exon 1 (of 8), has been reported in ClinVar (accession VCV001979670.5) and in gnomAD with an allele frequency of 0.0012%. However, to our knowledge, it has not been reported in the scientific literature. In silico analysis predicts that this variant has a deleterious effect. This variant is located in a region considered to be a mutational hotspot. This gene is constrained for missense variation. According to the currently available evidence, this variant has been classified as likely pathogenic (PM1, PM2_P, PP2, PP3_M).

Labcorp Genetics (formerly Invitae), Labcorp
Classification: Likely pathogenic for Metachromatic leukodystrophy. Last evaluated: 2026-01-31. Review status: criteria provided, single submitter. Criteria: Invitae Variant Classification Sherloc (09022015). Collection method: clinical testing. Allele origin: germline.
Comment: This sequence change replaces tyrosine, which is neutral and polar, with cysteine, which is neutral and slightly polar, at codon 41 of the ARSA protein (p.Tyr41Cys). This variant is present in population databases (no rsID available, gnomAD 0.004%). This missense change has been observed in individual(s) with metachromatic leukodystrophy (PMID: 19815439). ClinVar contains an entry for this variant (Variation ID: 1979670). Invitae Evidence Modeling of protein sequence and biophysical properties (such as structural, functional, and spatial information, amino acid conservation, physicochemical variation, residue mobility, and thermodynamic stability) indicates that this missense variant is expected to disrupt ARSA protein function with a positive predictive value of 95%. In summary, the currently available evidence indicates that the variant is pathogenic, but additional data are needed to prove that conclusively. Therefore, this variant has been classified as Likely Pathogenic.

Literature cited by the submitters: PubMed 19815439 (cited by Labcorp Genetics (formerly Invitae), Labcorp).